The following is an entry in ClinVar:

ClinVar aggregate classification (germline): Uncertain significance (1 of 4 stars; one submission).

Submission:

Labcorp Genetics (formerly Invitae), Labcorp
Classification: Uncertain significance. Last evaluated: 2025-08-23. Review status: criteria provided, single submitter. Criteria: Invitae Variant Classification Sherloc (09022015). Collection method: clinical testing. Allele origin: germline.
Comment: This sequence change replaces glycine, which is neutral and non-polar, with arginine, which is basic and polar, at codon 571 of the RNF213 protein (p.Gly571Arg). This variant is not present in population databases (gnomAD no frequency). This variant has not been reported in the literature in individuals affected with RNF213-related conditions. Invitae Evidence Modeling of protein sequence and biophysical properties (such as structural, functional, and spatial information, amino acid conservation, physicochemical variation, residue mobility, and thermodynamic stability) indicates that this missense variant is not expected to disrupt RNF213 protein function with a negative predictive value of 95%. In summary, the available evidence is currently insufficient to determine the role of this variant in disease. Therefore, it has been classified as a Variant of Uncertain Significance.

NM_001256071.3(RNF213):c.1711G>A (p.Gly571Arg)

Gene: RNF213 (ring finger protein 213; plus strand). Cytogenetic location: 17q25.3.
Variant type: single nucleotide variant.
Coding change: c.1711G>A on transcript NM_001256071.3 (MANE Select); coding-DNA position 1711, G replaced by A.
Protein change: p.Gly571Arg; replaces glycine 571 with arginine.
Molecular consequence: missense variant.
Genome position (GRCh38, 1-based): chr17:80,294,959, G>A. VCF-style: chr17-80294959-G-A. GRCh37 (hg19) VCF-style: chr17-78268758-G-A.
Other names: c.1858G>A, p.Gly620Arg (NM_001410195.1, NM_020914.5); c.1711G>A, p.Gly571Arg (NM_020954.4); short protein forms G571R, G620R.
Identifiers: ClinVar variation 4776651 (VCV004776651.1).